The following is an entry in ClinVar:

NM_006852.6(TLK2):c.1511T>G (p.Ile504Arg)

Gene: TLK2 (tousled like kinase 2; plus strand). Cytogenetic location: 17q23.2.
Variant type: single nucleotide variant.
Coding change: c.1511T>G on transcript NM_006852.6 (MANE Select); coding-DNA position 1511, T replaced by G.
Protein change: p.Ile504Arg; replaces isoleucine 504 with arginine.
Molecular consequence: missense variant.
Genome position (GRCh38, 1-based): chr17:62,596,635, T>G. VCF-style: chr17-62596635-T-G. GRCh37 (hg19) VCF-style: chr17-60673996-T-G.
Other names: c.1577T>G, p.Ile526Arg (NM_001284333.3); c.1415T>G, p.Ile472Arg (NM_001284363.1, NM_001375272.1); c.1064T>G, p.Ile355Arg (NM_001330418.3, NM_001375273.1); c.1553T>G, p.Ile518Arg (NM_001375269.1); c.1511T>G, p.Ile504Arg (NM_001375270.1, NM_001375271.1); c.1226T>G, p.Ile409Arg (NM_001411074.1); short protein forms I355R, I409R, I472R, I504R, I518R, I526R.
Identifiers: ClinVar variation 2437101 (VCV002437101.4), dbSNP rs2545971109, ClinGen allele CA400509183.

ClinVar aggregate classification (germline): Uncertain significance. Review status: criteria provided, multiple submitters, no conflicts (2 of 4 stars). 2 submissions from 2 submitters: Uncertain significance (2). Last evaluated 2022-10-03.

Conditions:
Intellectual developmental disorder, autosomal dominant 57. Also called: MENTAL RETARDATION, AUTOSOMAL DOMINANT 57; Intellectual disability, autosomal dominant 57. Identifiers: MedGen C4748003, MONDO:0054837, OMIM 618050.

Submissions (2):

GeneDx
Classification: Uncertain significance. Last evaluated: 2022-10-03. Review status: criteria provided, single submitter. Criteria: GeneDx Variant Classification Process June 2021. Collection method: clinical testing. Allele origin: germline. Affected: yes.
Comment: Not observed at significant frequency in large population cohorts (gnomAD); In silico analysis supports that this missense variant has a deleterious effect on protein structure/function; Has not been previously published as pathogenic or benign to our knowledge

Revvity Omics, Revvity
Classification: Uncertain significance for Intellectual developmental disorder, autosomal dominant 57. Last evaluated: 2020-12-29. Review status: criteria provided, single submitter. Criteria: ACMG Guidelines, 2015. Collection method: clinical testing. Allele origin: germline.